The following is an entry in ClinVar:

NM_004793.4(LONP1):c.1507G>C (p.Glu503Gln)

Gene: LONP1 (lon peptidase 1, mitochondrial; minus strand). Cytogenetic location: 19p13.3.
Variant type: single nucleotide variant.
Coding change: c.1507G>C on transcript NM_004793.4 (MANE Select); coding-DNA position 1507, G replaced by C.
Protein change: p.Glu503Gln; replaces glutamic acid 503 with glutamine.
Molecular consequence: missense variant. On other transcripts: non-coding transcript variant (1).
Genome position (GRCh38, 1-based): chr19:5,699,205, C>G on the plus strand (G>C on the coding strand, the complement: LONP1 is on the minus strand). VCF-style: chr19-5699205-C-G. GRCh37 (hg19) VCF-style: chr19-5699216-C-G.
Other names: c.1315G>C, p.Glu439Gln (NM_001276479.2); c.919G>C, p.Glu307Gln (NM_001276480.1); short protein forms E307Q, E439Q, E503Q.
Identifiers: ClinVar variation 1897052 (VCV001897052.5), dbSNP rs2512396725, ClinGen allele CA403531270.

ClinVar aggregate classification (germline): Uncertain significance (1 of 4 stars; one submission).

Allele frequency attached by ClinVar (database versions not stated): gnomAD exomes below 0.00001.
gnomAD v4.1: 2 of 1,494,764 alleles (0.00013%); highest among the groups gnomAD compares: Non-Finnish European, 0.00018%; no homozygotes.

Submission:

Labcorp Genetics (formerly Invitae), Labcorp
Classification: Uncertain significance. Last evaluated: 2022-05-15. Review status: criteria provided, single submitter. Criteria: Invitae Variant Classification Sherloc (09022015). Collection method: clinical testing. Allele origin: germline.
Comment: This sequence change replaces glutamic acid, which is acidic and polar, with glutamine, which is neutral and polar, at codon 503 of the LONP1 protein (p.Glu503Gln). This variant is not present in population databases (gnomAD no frequency). This variant has not been reported in the literature in individuals affected with LONP1-related conditions. Algorithms developed to predict the effect of missense changes on protein structure and function are either unavailable or do not agree on the potential impact of this missense change (SIFT: "Deleterious"; PolyPhen-2: "Possibly Damaging"; Align-GVGD: "Class C0"). Algorithms developed to predict the effect of sequence changes on RNA splicing suggest that this variant may create or strengthen a splice site. In summary, the available evidence is currently insufficient to determine the role of this variant in disease. Therefore, it has been classified as a Variant of Uncertain Significance.